The following is an entry in ClinVar:

NM_000122.2(ERCC3):c.391C>G (p.Leu131Val)

Gene: ERCC3 (ERCC excision repair 3, TFIIH core complex helicase subunit; minus strand). Cytogenetic location: 2q14.3.
Variant type: single nucleotide variant.
Coding change: c.391C>G on transcript NM_000122.2 (MANE Select); coding-DNA position 391, C replaced by G.
Protein change: p.Leu131Val; replaces leucine 131 with valine.
Molecular consequence: missense variant.
Genome position (GRCh38, 1-based): chr2:127,292,690, G>C on the plus strand (C>G on the coding strand, the complement: ERCC3 is on the minus strand). VCF-style: chr2-127292690-G-C. GRCh37 (hg19) VCF-style: chr2-128050266-G-C.
Other names: c.199C>G, p.Leu67Val (NM_001303416.2, NM_001303418.2); short protein forms L67V, L131V.
Identifiers: ClinVar variation 3660391 (VCV003660391.2).

ClinVar aggregate classification (germline): Uncertain significance (1 of 4 stars; one submission).

Submission:

Labcorp Genetics (formerly Invitae), Labcorp
Classification: Uncertain significance. Last evaluated: 2024-07-23. Review status: criteria provided, single submitter. Criteria: Invitae Variant Classification Sherloc (09022015). Collection method: clinical testing. Allele origin: germline.
Comment: This sequence change replaces leucine, which is neutral and non-polar, with valine, which is neutral and non-polar, at codon 131 of the ERCC3 protein (p.Leu131Val). This variant is not present in population databases (gnomAD no frequency). This variant has not been reported in the literature in individuals affected with ERCC3-related conditions. Advanced modeling of protein sequence and biophysical properties (such as structural, functional, and spatial information, amino acid conservation, physicochemical variation, residue mobility, and thermodynamic stability) performed at Invitae indicates that this missense variant is expected to disrupt ERCC3 protein function with a positive predictive value of 80%. In summary, the available evidence is currently insufficient to determine the role of this variant in disease. Therefore, it has been classified as a Variant of Uncertain Significance.